The following is an entry in ClinVar:

ClinVar aggregate classification (germline): Pathogenic (1 of 4 stars; one submission).

Conditions:
Cataract 15 multiple types. Also called: CATARACT 15, LAMELLAR WITH SUTURAL OPACITIES. Identifiers: Orphanet 91492, MedGen C3809001, MONDO:0014110, OMIM 615274.

Submission:

Labcorp Genetics (formerly Invitae), Labcorp
Classification: Pathogenic for Cataract 15 multiple types. Last evaluated: 2025-12-30. Review status: criteria provided, single submitter. Criteria: Invitae Variant Classification Sherloc (09022015). Collection method: clinical testing. Allele origin: germline.
Comment: This sequence change creates a premature translational stop signal (p.Tyr177Leufs*23) in the MIP gene. While this is not anticipated to result in nonsense mediated decay, it is expected to disrupt the last 87 amino acid(s) of the MIP protein. This variant is not present in population databases (gnomAD no frequency). This variant has not been reported in the literature in individuals affected with MIP-related conditions. This variant disrupts a region of the MIP protein in which other variant(s) (p.Gly213Valfs*46) have been determined to be pathogenic (PMID: 16564824, 18501347; internal data). This suggests that this is a clinically significant region of the protein, and that variants that disrupt it are likely to be disease-causing. For these reasons, this variant has been classified as Pathogenic.

Literature cited by the submitters: PubMed 16564824; PubMed 18501347.

NM_012064.4(MIP):c.530_531del (p.Tyr177fs)

Gene: MIP (major intrinsic protein of lens fiber; minus strand). Cytogenetic location: 12q13.3.
Variant type: Deletion.
Coding change: c.530_531del on transcript NM_012064.4 (MANE Select); coding-DNA positions 530 to 531, 2 bases deleted (AT; older notation c.530_531delAT).
Protein change: p.Tyr177fs; shifts the reading frame from tyrosine 177.
Molecular consequence: frameshift variant.
Genome position (GRCh38, 1-based): chr12:56,453,147-56,453,148, AT deleted on the plus strand (AT on the coding strand, the reverse complement: MIP is on the minus strand); deleting any 2 consecutive bases within chr12:56,453,147-56,453,149 gives the same sequence; the c. name uses the placement nearest the transcript's 3' end. VCF-style (leftmost placement, unchanged base first): chr12-56453146-AAT-A. GRCh37 (hg19) VCF-style: chr12-56846930-AAT-A.
Other names: short protein forms Y177fs.
Identifiers: ClinVar variation 4734471 (VCV004734471.1).